The following is an entry in ClinVar:

ClinVar aggregate classification (germline): Conflicting classifications of pathogenicity. Review status: criteria provided, conflicting classifications (1 of 4 stars). 15 submissions from 11 submitters: Uncertain significance (10); Benign (1); Likely benign (3). 1 of the submissions does not count toward it. Last evaluated 2026-04-21.

Conditions:
TTN-related disorder. Also called: TTN-related disorders; TTN-related condition; TTN-related disease.
Dilated cardiomyopathy 1G (CMD1G). Identifiers: Orphanet 154, MedGen C1858763, MONDO:0011400, OMIM 604145.
Autosomal recessive limb-girdle muscular dystrophy type 2J (LGMDR10). Also called: Limb-girdle muscular dystrophy, type 2J; MUSCULAR DYSTROPHY, LIMB-GIRDLE, AUTOSOMAL RECESSIVE 10. Identifiers: Orphanet 140922, MedGen C1837342, MONDO:0012127, OMIM 608807.
Hypertrophic cardiomyopathy 9. Also called: Familial hypertrophic cardiomyopathy 9. Identifiers: MedGen C1861065, MONDO:0013412, OMIM 613765.
Myopathy, myofibrillar, 9, with early respiratory failure (MFM9). Also called: Hereditary myopathy with early respiratory failure; MYOPATHY, PROXIMAL, WITH EARLY RESPIRATORY MUSCLE INVOLVEMENT; EDSTROM MYOPATHY; Myopathy, distal, with early respiratory failure, autosomal dominant. Identifiers: Orphanet 178464, Orphanet 34521, MedGen C1863599, MONDO:0011362, OMIM 603689.
Tibial muscular dystrophy (TMD). Also called: UDD MYOPATHY; Tibial muscular dystrophy, tardive; Udd Distal Myopathy – Tibial Muscular Dystrophy. Identifiers: Orphanet 609, MedGen C1838244, MONDO:0010870, OMIM 600334.
Early-onset myopathy with fatal cardiomyopathy (CMYO5). Also called: CONGENITAL MYOPATHY 5 WITH CARDIOMYOPATHY; Salih Myopathy. Identifiers: Orphanet 289377, MedGen C2673677, MONDO:0012714, OMIM 611705. Disease mechanism: loss of function.

Allele frequency attached by ClinVar (database versions not stated): gnomAD exomes 0.00006 and 0.00015; TOPMed 0.00008; ExAC 0.00009; gnomAD 0.00009 and 0.00010; ESP Exome Variant Server 0.00025.
gnomAD v4.1: 125 of 1,612,600 alleles (0.0078%); highest among the groups gnomAD compares: Middle Eastern, 0.049%; 2 homozygotes.

Submissions (15):

Women's Health and Genetics/Laboratory Corporation of America, LabCorp
Classification: Likely benign. Last evaluated: 2026-04-21. Review status: criteria provided, single submitter. Criteria: LabCorp Variant Classification Summary - May 2015. Collection method: clinical testing. Allele origin: germline.
Comment: Variant summary: TTN c.52025C>T (p.Thr17342Ile) results in a non-conservative amino acid change located in the A-band region of the encoded protein sequence. Algorithms developed to predict the effect of missense changes on protein structure and function are either unavailable or do not agree on the potential impact of this missense change. The variant allele was found at a frequency of 7.6e-05 in 1605614 control chromosomes, predominantly at a frequency of 0.002 within the Ashkenazi Jewish subpopulation in the gnomAD database, including 2 homozygotes. The observed variant frequency within Ashkenazi Jewish control individuals in the gnomAD database exceeds the estimated maximal expected allele frequency for disease-causing variants in TTN. c.52025C>T has been observed in one individual affected with myopathy, however without strong evidence for causality (Lehtonen_2024), in addition it was also reported in 2 individuals free of cardiovascular disease (Aguib_2020). These report(s) do not provide unequivocal conclusions about association of the variant with Autosomal Recessive Titinopathy. To our knowledge, no experimental evidence demonstrating an impact on protein function has been reported. The following publications have been ascertained in the context of this evaluation (PMID: 38383731, 33110626). ClinVar contains an entry for this variant (Variation ID: 178203). Based on the evidence outlined above, the variant was classified as likely benign.

Revvity Omics, Revvity
Classification: Uncertain significance. Last evaluated: 2025-03-10. Review status: criteria provided, single submitter. Criteria: ACMG Guidelines, 2015. Collection method: clinical testing. Allele origin: germline.

CeGaT Center for Human Genetics Tuebingen
Classification: Uncertain significance. Last evaluated: 2024-05-01. Review status: criteria provided, single submitter. Criteria: CeGaT Center For Human Genetics Tuebingen Variant Classification Criteria Version 2. Collection method: clinical testing. Allele origin: germline. Affected: yes. Observed: 2 variant alleles.
Comment: TTN: PM2

GeneDx
Classification: Likely benign. Last evaluated: 2021-04-27. Review status: criteria provided, single submitter. Criteria: GeneDx Variant Classification Process June 2021. Collection method: clinical testing. Allele origin: germline. Affected: yes.

Fulgent Genetics
Classification: Uncertain significance for Tibial muscular dystrophy; Myopathy, myofibrillar, 9, with early respiratory failure; Dilated cardiomyopathy 1G; Autosomal recessive limb-girdle muscular dystrophy type 2J; Early-onset myopathy with fatal cardiomyopathy; Hypertrophic cardiomyopathy 9. Last evaluated: 2018-10-31. Review status: criteria provided, single submitter. Criteria: ACMG Guidelines, 2015. Collection method: clinical testing. Allele origin: unknown.

Illumina Laboratory Services, Illumina
Classification: Uncertain significance for Early-onset myopathy with fatal cardiomyopathy. Last evaluated: 2018-01-12. Review status: criteria provided, single submitter. Criteria: ICSL Variant Classification Criteria 13 December 2019. Collection method: clinical testing. Allele origin: germline.

Illumina Laboratory Services, Illumina
Classification: Likely benign for Myopathy, myofibrillar, 9, with early respiratory failure. Last evaluated: 2018-01-12. Review status: criteria provided, single submitter. Criteria: ICSL Variant Classification Criteria 13 December 2019. Collection method: clinical testing. Allele origin: germline.
Comment: This variant was observed in the ICSL laboratory as part of a predisposition screen in an ostensibly healthy population. It had not been previously curated by ICSL or reported in the Human Gene Mutation Database (HGMD: prior to June 1st, 2018), and was therefore a candidate for classification through an automated scoring system. Utilizing variant allele frequency, disease prevalence and penetrance estimates, and inheritance mode, an automated score was calculated to assess if this variant is too frequent to cause the disease. Based on the score and internal cut-off values, a variant classified as likely benign is not then subjected to further curation. The score for this variant resulted in a classification of likely benign for this disease.

Illumina Laboratory Services, Illumina
Classification: Uncertain significance for Autosomal recessive limb-girdle muscular dystrophy type 2J. Last evaluated: 2018-01-12. Review status: criteria provided, single submitter. Criteria: ICSL Variant Classification Criteria 13 December 2019. Collection method: clinical testing. Allele origin: germline.

Illumina Laboratory Services, Illumina
Classification: Uncertain significance for Dilated cardiomyopathy 1G. Last evaluated: 2018-01-12. Review status: criteria provided, single submitter. Criteria: ICSL Variant Classification Criteria 13 December 2019. Collection method: clinical testing. Allele origin: germline.

Illumina Laboratory Services, Illumina
Classification: Benign for Tibial muscular dystrophy. Last evaluated: 2018-01-12. Review status: criteria provided, single submitter. Criteria: ICSL Variant Classification Criteria 13 December 2019. Collection method: clinical testing. Allele origin: germline.
Comment: This variant was observed in the ICSL laboratory as part of a predisposition screen in an ostensibly healthy population. It had not been previously curated by ICSL or reported in the Human Gene Mutation Database (HGMD: prior to June 1st, 2018), and was therefore a candidate for classification through an automated scoring system. Utilizing variant allele frequency, disease prevalence and penetrance estimates, and inheritance mode, an automated score was calculated to assess if this variant is too frequent to cause the disease. Based on the score and internal cut-off values, a variant classified as benign is not then subjected to further curation. The score for this variant resulted in a classification of benign for this disease.

Stanford Center for Inherited Cardiovascular Disease, Stanford University
Classification: Uncertain significance. Last evaluated: 2017-10-16. Review status: criteria provided, single submitter. Criteria: ACMG Guidelines, 2015. Collection method: provider interpretation. Allele origin: germline.

Labcorp Genetics (formerly Invitae), Labcorp
Classification: Uncertain significance for Dilated cardiomyopathy 1G; Autosomal recessive limb-girdle muscular dystrophy type 2J. Last evaluated: 2017-08-17. Review status: criteria provided, single submitter. Criteria: Invitae Variant Classification Sherloc (09022015). Collection method: clinical testing. Allele origin: germline.

Laboratory for Molecular Medicine, Mass General Brigham Personalized Medicine
Classification: Uncertain significance. Last evaluated: 2017-06-28. Review status: criteria provided, single submitter. Criteria: LMM Criteria. Collection method: clinical testing. Allele origin: germline. Observed: 2 variant alleles.
Comment: Variant classified as Uncertain Significance - Favor Benign. This variant has also been identified in 0.18% (18/9784) of Ashkenazi Jewish chromosomes by the Genome Aggregation Database (gnomAD; dbSNP rs369476725). Computational prediction tools and conservation analysis suggest that this variant may impact the protein, tho ugh this information is not predictive enough to determine pathogenicity. In sum mary, while the clinical significance of the Thr17342Ile variant is uncertain, i ts frequency suggests that it is more likely to be benign.

Athena Diagnostics
Classification: Uncertain significance. Last evaluated: 2017-02-10. Review status: criteria provided, single submitter. Criteria: Athena Diagnostics Criteria. Collection method: clinical testing. Allele origin: germline.

PreventionGenetics, part of Exact Sciences
Classification: Likely benign for TTN-related condition. Last evaluated: 2024-04-30. Review status: no assertion criteria provided. Collection method: clinical testing. Allele origin: germline. Not counted in ClinVar's aggregate classification.
Comment: This variant is classified as likely benign based on ACMG/AMP sequence variant interpretation guidelines (Richards et al. 2015 PMID: 25741868, with internal and published modifications).

Literature cited by the submitters: PubMed 33110626 (cited by Women's Health and Genetics/Laboratory Corporation of America, LabCorp); PubMed 38383731 (cited by Women's Health and Genetics/Laboratory Corporation of America, LabCorp).

NM_001267550.2(TTN):c.59729C>T (p.Thr19910Ile)

Genes: TTN (titin; minus strand), TTN-AS1 (TTN antisense RNA 1; plus strand), LOC126806424 (CDK7 strongly-dependent group 2 enhancer GRCh37_chr2:179456337-179457536; plus strand). Cytogenetic location: 2q31.2.
Variant type: single nucleotide variant.
Coding change: c.59729C>T on transcript NM_001267550.2 (MANE Select); coding-DNA position 59729, C replaced by T.
Protein change: p.Thr19910Ile; replaces threonine 19910 with isoleucine.
Molecular consequence: missense variant.
Genome position (GRCh38, 1-based): chr2:178,592,175, G>A on the plus strand (C>T on the coding strand, the complement: TTN is on the minus strand). VCF-style: chr2-178592175-G-A. GRCh37 (hg19) VCF-style: chr2-179456902-G-A.
Other names: c.54806C>T, p.Thr18269Ile (NM_001256850.1); c.52025C>T, p.Thr17342Ile (NM_133378.4); c.32534C>T, p.Thr10845Ile (NM_003319.4); c.32909C>T, p.Thr10970Ile (NM_133432.3); c.33110C>T, p.Thr11037Ile (NM_133437.4); short protein forms T17342I, T19910I, T10845I, T11037I, T10970I, T18269I.
Identifiers: ClinVar variation 178203 (VCV000178203.42), dbSNP rs369476725, ClinGen allele CA181768.